The following is an entry in ClinVar:

NM_015909.4(NBAS):c.3913C>T (p.Gln1305Ter)

Gene: NBAS (NBAS subunit of NRZ tethering complex; minus strand). Cytogenetic location: 2p24.3.
Variant type: single nucleotide variant.
Coding change: c.3913C>T on transcript NM_015909.4 (MANE Select); coding-DNA position 3913, C replaced by T.
Protein change: p.Gln1305Ter; replaces glutamine 1305 with a stop codon.
Molecular consequence: nonsense. On other transcripts: non-coding transcript variant (1).
Genome position (GRCh38, 1-based): chr2:15,356,321, G>A on the plus strand (C>T on the coding strand, the complement: NBAS is on the minus strand). VCF-style: chr2-15356321-G-A. GRCh37 (hg19) VCF-style: chr2-15496445-G-A.
Other names: short protein forms Q1305*.
Identifiers: ClinVar variation 1370335 (VCV001370335.6), dbSNP rs2148312289, ClinGen allele CA345891933.
Genomic context (GRCh38, chr2:15,356,321, plus strand): 5'-AAAGAGGACATAAGCAAAGTGTTAAATAAGCTGTCTACTCACCTGTGGCCATCAGCTCCT[G>A]ACAATGCATACTGGCTGCTTTGTAGTCATGGAAGCGAAGTGCCTGCTCCACTAAAAGGAT-3'

ClinVar aggregate classification (germline): Pathogenic (1 of 4 stars; one submission).

Submission:

Labcorp Genetics (formerly Invitae), Labcorp
Classification: Pathogenic. Last evaluated: 2022-12-06. Review status: criteria provided, single submitter. Criteria: Invitae Variant Classification Sherloc (09022015). Collection method: clinical testing. Allele origin: germline.
Comment: This variant is not present in population databases (gnomAD no frequency). This sequence change creates a premature translational stop signal (p.Gln1305*) in the NBAS gene. It is expected to result in an absent or disrupted protein product. Loss-of-function variants in NBAS are known to be pathogenic (PMID: 26073778, 26541327, 27789416, 28031453). This variant has not been reported in the literature in individuals affected with NBAS-related conditions. For these reasons, this variant has been classified as Pathogenic. ClinVar contains an entry for this variant (Variation ID: 1370335).

Literature cited by the submitters: PubMed 26073778; PubMed 26541327; PubMed 27789416; PubMed 28031453.